The following is an entry in ClinVar:

ClinVar aggregate classification (germline): Uncertain significance (1 of 4 stars; one submission).

Conditions:
Early-infantile DEE. Also called: Early infantile epileptic encephalopathy; Early infantile epileptic encephalopathy with suppression bursts; Ohtahara syndrome. Identifiers: Orphanet 1934, MedGen C0393706, MONDO:0800491.

Allele frequency attached by ClinVar (database versions not stated): gnomAD exomes 0.00001.
gnomAD v4.1: 8 of 1,613,116 alleles (0.0005%); highest among the groups gnomAD compares: South Asian, 0.0022%; no homozygotes.

Submission:

Labcorp Genetics (formerly Invitae), Labcorp
Classification: Uncertain significance for Early-infantile DEE. Last evaluated: 2024-08-02. Review status: criteria provided, single submitter. Criteria: Invitae Variant Classification Sherloc (09022015). Collection method: clinical testing. Allele origin: germline.
Comment: This sequence change replaces valine, which is neutral and non-polar, with methionine, which is neutral and non-polar, at codon 2429 of the SPTAN1 protein (p.Val2429Met). This variant is present in population databases (no rsID available, gnomAD 0.006%). This variant has not been reported in the literature in individuals affected with SPTAN1-related conditions. ClinVar contains an entry for this variant (Variation ID: 862137). Advanced modeling of protein sequence and biophysical properties (such as structural, functional, and spatial information, amino acid conservation, physicochemical variation, residue mobility, and thermodynamic stability) has been performed at Invitae for this missense variant, however the output from this modeling did not meet the statistical confidence thresholds required to predict the impact of this variant on SPTAN1 protein function. In summary, the available evidence is currently insufficient to determine the role of this variant in disease. Therefore, it has been classified as a Variant of Uncertain Significance.

NM_001130438.3(SPTAN1):c.7285G>A (p.Val2429Met)

Gene: SPTAN1 (spectrin alpha, non-erythrocytic 1; plus strand). Cytogenetic location: 9q34.11.
Variant type: single nucleotide variant.
Coding change: c.7285G>A on transcript NM_001130438.3 (MANE Select); coding-DNA position 7285, G replaced by A.
Protein change: p.Val2429Met; replaces valine 2429 with methionine.
Molecular consequence: missense variant.
Genome position (GRCh38, 1-based): chr9:128,632,932, G>A. VCF-style: chr9-128632932-G-A. GRCh37 (hg19) VCF-style: chr9-131395211-G-A.
Other names: c.7210G>A, p.Val2404Met (NM_001195532.2); c.7348G>A, p.Val2450Met (NM_001363759.2); c.7225G>A, p.Val2409Met (NM_001363765.2, NM_001375314.2); c.7372G>A, p.Val2458Met (NM_001375310.1); c.7285G>A, p.Val2429Met (NM_001375311.2); c.7321G>A, p.Val2441Met (NM_001375312.2); c.7267G>A, p.Val2423Met (NM_001375313.1); c.7384G>A, p.Val2462Met (NM_001375318.1); and 1 more; short protein forms V2404M, V2429M, V2450M, V2458M, V2409M, V2423M, V2462M, V2424M.
Identifiers: ClinVar variation 862137 (VCV000862137.10), dbSNP rs1344858192, ClinGen allele CA375102855.